The following is an entry in ClinVar:

ClinVar aggregate classification (germline): Uncertain significance (1 of 4 stars; one submission).

Allele frequency attached by ClinVar (database versions not stated): gnomAD exomes below 0.00001; ExAC 0.00001.

Submission:

Labcorp Genetics (formerly Invitae), Labcorp
Classification: Uncertain significance. Last evaluated: 2025-06-23. Review status: criteria provided, single submitter. Criteria: Invitae Variant Classification Sherloc (09022015). Collection method: clinical testing. Allele origin: germline.
Comment: This sequence change replaces glycine, which is neutral and non-polar, with arginine, which is basic and polar, at codon 55 of the EIF2B2 protein (p.Gly55Arg). This variant also falls at the last nucleotide of exon 1, which is part of the consensus splice site for this exon. This variant is present in population databases (rs750307992, gnomAD 0.003%). This variant has not been reported in the literature in individuals affected with EIF2B2-related conditions. ClinVar contains an entry for this variant (Variation ID: 1988911). An algorithm developed to predict the effect of missense changes on protein structure and function (PolyPhen-2) suggests that this variant is likely to be tolerated. Variants that disrupt the consensus splice site are a relatively common cause of aberrant splicing (PMID: 17576681, 9536098). Algorithms developed to predict the effect of sequence changes on RNA splicing suggest that this variant may disrupt the consensus splice site. In summary, the available evidence is currently insufficient to determine the role of this variant in disease. Therefore, it has been classified as a Variant of Uncertain Significance.

Literature cited by the submitters: PubMed 17576681; PubMed 9536098.

NM_014239.4(EIF2B2):c.163G>A (p.Gly55Arg)

Gene: EIF2B2 (eukaryotic translation initiation factor 2B subunit beta; plus strand). Cytogenetic location: 14q24.3.
Variant type: single nucleotide variant.
Coding change: c.163G>A on transcript NM_014239.4 (MANE Select); coding-DNA position 163, G replaced by A.
Protein change: p.Gly55Arg; replaces glycine 55 with arginine.
Molecular consequence: missense variant.
Genome position (GRCh38, 1-based): chr14:75,003,153, G>A. VCF-style: chr14-75003153-G-A. GRCh37 (hg19) VCF-style: chr14-75469856-G-A.
Other names: short protein forms G55R.
Identifiers: ClinVar variation 1988911 (VCV001988911.4), dbSNP rs750307992, ClinGen allele CA7274799.